The following is an entry in ClinVar:

ClinVar aggregate classification (germline): Likely benign (1 of 4 stars; one submission).

Submission:

GeneDx
Classification: Likely benign. Last evaluated: 2017-12-13. Review status: criteria provided, single submitter. Criteria: GeneDx Variant Classification (06012015). Collection method: clinical testing. Allele origin: germline. Affected: yes.
Comment: This variant is considered likely benign or benign based on one or more of the following criteria: it is a conservative change, it occurs at a poorly conserved position in the protein, it is predicted to be benign by multiple in silico algorithms, and/or has population frequency not consistent with disease.

NM_021100.5(NFS1):c.318T>C (p.Ala106=)

Gene: NFS1 (NFS1 cysteine desulfurase; minus strand). Cytogenetic location: 20q11.22.
Variant type: single nucleotide variant.
Coding change: c.318T>C on transcript NM_021100.5 (MANE Select); coding-DNA position 318, T replaced by C.
Protein change: p.Ala106=; no amino-acid change (alanine 106 retained).
Molecular consequence: synonymous variant. On other transcripts: non-coding transcript variant (1).
Genome position (GRCh38, 1-based): chr20:35,697,690, A>G on the plus strand (T>C on the coding strand, the complement: NFS1 is on the minus strand). VCF-style: chr20-35697690-A-G. GRCh37 (hg19) VCF-style: chr20-34285612-A-G.
Other names: c.318T>C, p.Ala106= (NM_001198989.2).
Identifiers: ClinVar variation 513586 (VCV000513586.1), dbSNP rs754202176, ClinGen allele CA510336251.